The following is an entry in ClinVar:

ClinVar aggregate classification (germline): Uncertain significance (1 of 4 stars; one submission).

Submission:

Labcorp Genetics (formerly Invitae), Labcorp
Classification: Uncertain significance. Last evaluated: 2022-09-05. Review status: criteria provided, single submitter. Criteria: Invitae Variant Classification Sherloc (09022015). Collection method: clinical testing. Allele origin: germline.
Comment: This sequence change replaces methionine, which is neutral and non-polar, with isoleucine, which is neutral and non-polar, at codon 131 of the MS4A1 protein (p.Met131Ile). This variant is not present in population databases (gnomAD no frequency). This variant has not been reported in the literature in individuals affected with MS4A1-related conditions. Algorithms developed to predict the effect of missense changes on protein structure and function output the following: SIFT: "Tolerated"; PolyPhen-2: "Benign"; Align-GVGD: "Class C0". The isoleucine amino acid residue is found in multiple mammalian species, which suggests that this missense change does not adversely affect protein function. In summary, the available evidence is currently insufficient to determine the role of this variant in disease. Therefore, it has been classified as a Variant of Uncertain Significance.

NM_152866.3(MS4A1):c.393G>T (p.Met131Ile)

Gene: MS4A1 (membrane spanning 4-domains A1; plus strand). Cytogenetic location: 11q12.2.
Variant type: single nucleotide variant.
Coding change: c.393G>T on transcript NM_152866.3 (MANE Select); coding-DNA position 393, G replaced by T.
Protein change: p.Met131Ile; replaces methionine 131 with isoleucine.
Molecular consequence: missense variant.
Genome position (GRCh38, 1-based): chr11:60,465,977, G>T. VCF-style: chr11-60465977-G-T. GRCh37 (hg19) VCF-style: chr11-60233450-G-T.
Other names: c.393G>T, p.Met131Ile (NM_021950.4, NM_152867.2); short protein forms M131I.
Identifiers: ClinVar variation 1954417 (VCV001954417.5), dbSNP rs1672351032, ClinGen allele CA380599885.